The following is an entry in ClinVar:

NM_003060.4(SLC22A5):c.104_153delinsATGGTATGTCAGTCGTGTTCCTGGCGGGGACCCCGGAGCACCGCTGTCGA (p.Thr35_Ala44delinsAsnGlyMetSerValValPheLeuAlaGly)

Gene: SLC22A5 (solute carrier family 22 member 5; plus strand). Cytogenetic location: 5q31.1.
Variant type: Indel.
Coding change: c.104_153delinsATGGTATGTCAGTCGTGTTCCTGGCGGGGACCCCGGAGCACCGCTGTCGA on transcript NM_003060.4 (MANE Select); coding-DNA positions 104 to 153, the reference bases replaced by an inserted sequence.
Protein change: p.Thr35_Ala44delinsAsnGlyMetSerValValPheLeuAlaGly.
Molecular consequence: missense variant.
Genome position (GRCh38, 1-based): chr5:132,370,076-132,370,125, 50 bases replaced. GRCh37 (hg19): chr5:131,705,768-131,705,817.
Other names: c.104_153delinsATGGTATGTCAGTCGTGTTCCTGGCGGGGACCCCGGAGCACCGCTGTCGA, p.Thr35_Ala44delinsAsnGlyMetSerValValPheLeuAlaGly (NM_001308122.2).
Identifiers: ClinVar variation 1984056 (VCV001984056.4), dbSNP rs2532088340, ClinGen allele CA2580072638.

ClinVar aggregate classification (germline): Pathogenic (1 of 4 stars; one submission).

Conditions:
Renal carnitine transport defect (CDSP). Also called: CARNITINE DEFICIENCY, SYSTEMIC, DUE TO DEFECT IN RENAL REABSORPTION OF CARNITINE; CARNITINE TRANSPORTER, PLASMA-MEMBRANE, DEFICIENCY OF; CARNITINE UPTAKE DEFECT; Primary carnitine deficiency; Systemic primary carnitine deficiency disease; Systemic primary carnitine deficiency. Identifiers: Orphanet 158, MedGen C0342788, MONDO:0008919, OMIM 212140.

Submission:

Labcorp Genetics (formerly Invitae), Labcorp
Classification: Pathogenic for Renal carnitine transport defect. Last evaluated: 2025-11-25. Review status: criteria provided, single submitter. Criteria: Invitae Variant Classification Sherloc (09022015). Collection method: clinical testing. Allele origin: germline.
Comment: This variant, c.104_153delins50, is a complex sequence change that results in the deletion of 10 and insertion of 10 amino acid(s) in the SLC22A5 protein (p.Thr35_Ala44delins10). Information on the frequency of this variant in the gnomAD database is not available, as this variant may be reported differently in the database. This variant has not been reported in the literature in individuals affected with SLC22A5-related conditions. This variant disrupts a region of the SLC22A5 protein in which other variant(s) (p.Ala44Val) have been determined to be pathogenic (PMID: 23963628, 28711408). This suggests that this is a clinically significant region of the protein, and that variants that disrupt it are likely to be disease-causing. For these reasons, this variant has been classified as Pathogenic.

Literature cited by the submitters: PubMed 23963628; PubMed 28711408.